The following is an entry in ClinVar:

ClinVar aggregate classification (germline): Conflicting classifications of pathogenicity. Review status: criteria provided, conflicting classifications (1 of 4 stars). 5 submissions from 5 submitters: Uncertain significance (4); Benign (1). Last evaluated 2025-09-08.

Conditions:
PIEZO1-related disorder. Also called: PIEZO1-related condition; PIEZO1-Related Disorders.
Lymphatic malformation 6 (LMPHM6). Also called: GENERALIZED LYMPHATIC DYSPLASIA OF FOTIOU; Lymphedema, hereditary, III; PIEZO1-related generalized lymphatic dysplasia with non-immune hydrops fetalis. Identifiers: Orphanet 568062, MedGen C4225184, MONDO:0014797, OMIM 616843.

Allele frequency attached by ClinVar (database versions not stated): ExAC 0.00005.
gnomAD v4.1: 136 of 1,550,140 alleles (0.0088%); highest among the groups gnomAD compares: Middle Eastern, 0.017%; no homozygotes.

Submissions (5):

Labcorp Genetics (formerly Invitae), Labcorp
Classification: Benign. Last evaluated: 2025-09-08. Review status: criteria provided, single submitter. Criteria: Invitae Variant Classification Sherloc (09022015). Collection method: clinical testing. Allele origin: germline.

Clinical Genomics Laboratory, Washington University in St. Louis
Classification: Uncertain significance for Lymphatic malformation 6. Last evaluated: 2024-04-08. Review status: criteria provided, single submitter. Criteria: ACMG Guidelines, 2015. Collection method: clinical testing. Allele origin: germline.
Comment: A PIEZO1 c.3625C>T (p.Arg1209Trp) was identified at a near heterozygous allelic fraction of 48.6%, a frequency which may be consistent with germline origin. This variant, to our knowledge, has not been reported in the medical literature but been reported in the ClinVar database as a germline variant of uncertain significance by two submitters (Clinvar ID: 2428756). It is only observed on 136/1,550,140 alleles in the general population (gnomAD v.4.0.0), indicating it is not a common variant. Computational predictors suggest that the variant does not impact PIEZO1 function. Due to limited information, and based on ACMG/AMP guidelines for variant interpretation (Richards S et al., PMID: 25741868), the clinical significance of this variant is uncertain at this time.

Revvity Omics, Revvity
Classification: Uncertain significance. Last evaluated: 2023-10-30. Review status: criteria provided, single submitter. Criteria: ACMG Guidelines, 2015. Collection method: clinical testing. Allele origin: germline.

PreventionGenetics, part of Exact Sciences
Classification: Uncertain significance for PIEZO1-related condition. Last evaluated: 2023-07-15. Review status: criteria provided, single submitter. Criteria: ACMG Guidelines, 2015. Collection method: clinical testing. Allele origin: germline.
Comment: The PIEZO1 c.3625C>T variant is predicted to result in the amino acid substitution p.Arg1209Trp. To our knowledge, this variant has not been reported in the literature. This variant is reported in 0.012% of alleles in individuals of European (Non-Finnish) descent in gnomAD. At this time, the clinical significance of this variant is uncertain due to the absence of conclusive functional and genetic evidence.

ARUP Laboratories, Molecular Genetics and Genomics, ARUP Laboratories
Classification: Uncertain significance. Last evaluated: 2022-04-07. Review status: criteria provided, single submitter. Criteria: ARUP Molecular Germline Variant Investigation Process 2021. Collection method: clinical testing. Allele origin: germline.

NM_001142864.4(PIEZO1):c.3625C>T (p.Arg1209Trp)

Gene: PIEZO1 (piezo type mechanosensitive ion channel component 1 (Er blood group); minus strand). Cytogenetic location: 16q24.3.
Variant type: single nucleotide variant.
Coding change: c.3625C>T on transcript NM_001142864.4 (MANE Select); coding-DNA position 3625, C replaced by T.
Protein change: p.Arg1209Trp; replaces arginine 1209 with tryptophan.
Molecular consequence: missense variant.
Genome position (GRCh38, 1-based): chr16:88,726,789, G>A on the plus strand (C>T on the coding strand, the complement: PIEZO1 is on the minus strand). VCF-style: chr16-88726789-G-A. GRCh37 (hg19) VCF-style: chr16-88793197-G-A.
Other names: c.3625C>T (NM_001142864.3); c.2167C>T, p.Arg723Trp (NM_014745.1); short protein forms R1209W, R723W.
Identifiers: ClinVar variation 2428756 (VCV002428756.7), dbSNP rs750479923, ClinGen allele CA8232441.